The following is an entry in ClinVar:

NM_021076.4(NEFH):c.1003C>A (p.Leu335Met)

Gene: NEFH (neurofilament heavy chain; plus strand). Cytogenetic location: 22q12.2.
Variant type: single nucleotide variant.
Coding change: c.1003C>A on transcript NM_021076.4 (MANE Select); coding-DNA position 1003, C replaced by A.
Protein change: p.Leu335Met; replaces leucine 335 with methionine.
Molecular consequence: missense variant.
Genome position (GRCh38, 1-based): chr22:29,483,494, C>A. VCF-style: chr22-29483494-C-A. GRCh37 (hg19) VCF-style: chr22-29879483-C-A.
Other names: short protein forms L335M.
Identifiers: ClinVar variation 3672331 (VCV003672331.2).

ClinVar aggregate classification (germline): Uncertain significance (1 of 4 stars; one submission).

Submission:

Labcorp Genetics (formerly Invitae), Labcorp
Classification: Uncertain significance. Last evaluated: 2024-02-09. Review status: criteria provided, single submitter. Criteria: Invitae Variant Classification Sherloc (09022015). Collection method: clinical testing. Allele origin: germline.
Comment: This sequence change replaces leucine, which is neutral and non-polar, with methionine, which is neutral and non-polar, at codon 335 of the NEFH protein (p.Leu335Met). This variant is not present in population databases (gnomAD no frequency). This variant has not been reported in the literature in individuals affected with NEFH-related conditions. Advanced modeling of protein sequence and biophysical properties (such as structural, functional, and spatial information, amino acid conservation, physicochemical variation, residue mobility, and thermodynamic stability) performed at Invitae indicates that this missense variant is not expected to disrupt NEFH protein function with a negative predictive value of 95%. In summary, the available evidence is currently insufficient to determine the role of this variant in disease. Therefore, it has been classified as a Variant of Uncertain Significance.